The following is an entry in ClinVar:

ClinVar aggregate classification (germline): Uncertain significance (1 of 4 stars; one submission).

Conditions:
Mucopolysaccharidosis, MPS-III-D (MPS3D). Also called: N-ACETYLGLUCOSAMINE-6-SULFATASE DEFICIENCY; SANFILIPPO SYNDROME D; MPS III D; Mucopoly-saccharidosis type 3D; N-acetylglucosamine-6-sulfate sulfatase deficiency; MPS 3D. Identifiers: Orphanet 581, Orphanet 79272, MedGen C0086650, MONDO:0009658, OMIM 252940.

gnomAD v4.1: 1 of 1,612,492 alleles (0.000062%); no homozygotes.

Submission:

Labcorp Genetics (formerly Invitae), Labcorp
Classification: Uncertain significance for Mucopolysaccharidosis, MPS-III-D. Last evaluated: 2023-08-23. Review status: criteria provided, single submitter. Criteria: Invitae Variant Classification Sherloc (09022015). Collection method: clinical testing. Allele origin: germline.
Comment: This variant has not been reported in the literature in individuals affected with GNS-related conditions. This variant is present in population databases (no rsID available, gnomAD 0.003%). This sequence change replaces proline, which is neutral and non-polar, with leucine, which is neutral and non-polar, at codon 237 of the GNS protein (p.Pro237Leu). Advanced modeling of protein sequence and biophysical properties (such as structural, functional, and spatial information, amino acid conservation, physicochemical variation, residue mobility, and thermodynamic stability) performed at Invitae indicates that this missense variant is expected to disrupt GNS protein function. In summary, the available evidence is currently insufficient to determine the role of this variant in disease. Therefore, it has been classified as a Variant of Uncertain Significance.

NM_002076.4(GNS):c.710C>T (p.Pro237Leu)

Gene: GNS (glucosamine (N-acetyl)-6-sulfatase; minus strand). Cytogenetic location: 12q14.3.
Variant type: single nucleotide variant.
Coding change: c.710C>T on transcript NM_002076.4 (MANE Select); coding-DNA position 710, C replaced by T.
Protein change: p.Pro237Leu; replaces proline 237 with leucine.
Molecular consequence: missense variant.
Genome position (GRCh38, 1-based): chr12:64,743,223, G>A on the plus strand (C>T on the coding strand, the complement: GNS is on the minus strand). VCF-style: chr12-64743223-G-A. GRCh37 (hg19) VCF-style: chr12-65137003-G-A.
Other names: short protein forms P237L.
Identifiers: ClinVar variation 2985428 (VCV002985428.1), dbSNP rs1236544265, ClinGen allele CA385609053.